The following is an entry in ClinVar:

ClinVar aggregate classification (germline): Likely benign. Review status: criteria provided, multiple submitters, no conflicts (2 of 4 stars). 2 submissions from 2 submitters: Likely benign (2). Last evaluated 2024-03-21.

Allele frequency attached by ClinVar (database versions not stated): gnomAD 0.00001; ExAC 0.00002; TOPMed 0.00003; gnomAD exomes 0.00004.
gnomAD v4.1: 52 of 1,614,090 alleles (0.0032%); highest among the groups gnomAD compares: Admixed American, 0.005%; no homozygotes.

Submissions (2):

Women's Health and Genetics/Laboratory Corporation of America, LabCorp
Classification: Likely benign. Last evaluated: 2024-03-21. Review status: criteria provided, single submitter. Criteria: LabCorp Variant Classification Summary - May 2015. Collection method: clinical testing. Allele origin: germline.
Comment: Variant summary: TPO c.2427C>T alters a non-conserved nucleotide resulting in a synonymous change. Consensus agreement among computation tools predict no significant impact on normal splicing. However, these predictions have yet to be confirmed by functional studies. The variant allele was found at a frequency of 2e-05 in 251410 control chromosomes. The available data on variant occurrences in the general population are insufficient to allow any conclusion about variant significance. To our knowledge, no occurrence of c.2427C>T in individuals affected with Deficiency Of Iodide Peroxidase and no experimental evidence demonstrating its impact on protein function have been reported. ClinVar contains an entry for this variant (Variation ID: 3021711). Based on the evidence outlined above, the variant was classified as likely benign.

Labcorp Genetics (formerly Invitae), Labcorp
Classification: Likely benign. Last evaluated: 2024-02-02. Review status: criteria provided, single submitter. Criteria: Invitae Variant Classification Sherloc (09022015). Collection method: clinical testing. Allele origin: germline.

NM_001206744.2(TPO):c.2427C>T (p.His809=)

Genes: LALTOP (lung cancer associated lncRNA targeting TOP2A; minus strand), TPO (thyroid peroxidase; plus strand). Cytogenetic location: 2p25.3.
Variant type: single nucleotide variant.
Coding change: c.2427C>T on transcript NM_001206744.2 (MANE Select); coding-DNA position 2427, C replaced by T.
Protein change: p.His809=; no amino-acid change (histidine 809 retained).
Molecular consequence: synonymous variant. On other transcripts: intron variant (1).
Genome position (GRCh38, 1-based): chr2:1,503,988, C>T. VCF-style: chr2-1503988-C-T. GRCh37 (hg19) VCF-style: chr2-1507760-C-T.
Other names: c.2427C>T, p.His809= (NM_000547.6); c.2256C>T, p.His752= (NM_001206745.2, NM_175719.4); c.1908C>T, p.His636= (NM_175722.3); c.2386+7223C>T (NM_175721.3).
Identifiers: ClinVar variation 3021711 (VCV003021711.5), dbSNP rs774366588, ClinGen allele CA1512122.